The following is an entry in ClinVar:

NM_001291303.3(FAT4):c.12577G>A (p.Gly4193Arg)

Gene: FAT4 (FAT atypical cadherin 4; plus strand). Cytogenetic location: 4q28.1.
Variant type: single nucleotide variant.
Coding change: c.12577G>A on transcript NM_001291303.3 (MANE Select); coding-DNA position 12577, G replaced by A.
Protein change: p.Gly4193Arg; replaces glycine 4193 with arginine.
Molecular consequence: missense variant.
Genome position (GRCh38, 1-based): chr4:125,479,838, G>A. VCF-style: chr4-125479838-G-A. GRCh37 (hg19) VCF-style: chr4-126400993-G-A.
Other names: c.12577G>A, p.Gly4193Arg (NM_001291285.3); c.12571G>A, p.Gly4191Arg (NM_024582.6); short protein forms G4191R, G4193R.
Identifiers: ClinVar variation 3668248 (VCV003668248.2).
Genomic context (GRCh38, chr4:125,479,838, plus strand): 5'-TGCCAACATGGTGGCACATGTATGGATTACTGGTCATGGCAGCAGTGTCATTGCAAAGAG[G>A]GACTCACTGGGAAATACTGTGAAAAATGTATGTAAGGTCTTCCGTCTTCCCCTGGAAATT-3'
Protein context (NP_001278232.1, residues 4183-4203): WSWQQCHCKE[Gly4193Arg]LTGKYCEKSV

ClinVar aggregate classification (germline): Uncertain significance (1 of 4 stars; one submission).

gnomAD v4.1: 11 of 1,596,828 alleles (0.00069%); highest among the groups gnomAD compares: Non-Finnish European, 0.00094%; no homozygotes.

Submission:

Labcorp Genetics (formerly Invitae), Labcorp
Classification: Uncertain significance. Last evaluated: 2025-02-26. Review status: criteria provided, single submitter. Criteria: Invitae Variant Classification Sherloc (09022015). Collection method: clinical testing. Allele origin: germline.
Comment: This sequence change replaces glycine, which is neutral and non-polar, with arginine, which is basic and polar, at codon 4191 of the FAT4 protein (p.Gly4191Arg). This variant is present in population databases (no rsID available, gnomAD 0.007%). This variant has not been reported in the literature in individuals affected with FAT4-related conditions. Invitae Evidence Modeling of protein sequence and biophysical properties (such as structural, functional, and spatial information, amino acid conservation, physicochemical variation, residue mobility, and thermodynamic stability) indicates that this missense variant is not expected to disrupt FAT4 protein function with a negative predictive value of 95%. In summary, the available evidence is currently insufficient to determine the role of this variant in disease. Therefore, it has been classified as a Variant of Uncertain Significance.